The following is an entry in ClinVar:

ClinVar aggregate classification (germline): Uncertain significance (1 of 4 stars; one submission).

Conditions:
Hereditary cancer-predisposing syndrome. Also called: Hereditary Cancer Syndrome; Hereditary neoplastic syndrome; Neoplastic Syndromes, Hereditary; Tumor predisposition. Identifiers: Orphanet 140162, MedGen C0027672, MeSH D009386, MONDO:0015356.

Submission:

Sema4
Classification: Uncertain significance for Hereditary cancer-predisposing syndrome. Last evaluated: 2021-04-11. Review status: criteria provided, single submitter. Criteria: Sema4 Curation Guidelines. Collection method: curation. Allele origin: germline.
Comment: The ATM c.1868C>G (p.A623G) variant has not been reported in the literature to our knowledge. It was not observed in the large and broad cohorts of the Genome Aggregation Database (PMID: 32461654). The variant has not been reported in ClinVar. In silico tools suggest the impact of the variant on protein function is inconclusive, though these predictions have not been confirmed by functional studies. The evidence is insufficient to meet ACMG/AMP criteria for classifying the variant as benign or pathogenic. Thus, the clinical significance of this variant is currently uncertain.

NM_000051.4(ATM):c.1868C>G (p.Ala623Gly)

Gene: ATM (ATM serine/threonine kinase; plus strand). Cytogenetic location: 11q22.3.
Variant type: single nucleotide variant.
Coding change: c.1868C>G on transcript NM_000051.4 (MANE Select); coding-DNA position 1868, C replaced by G.
Protein change: p.Ala623Gly; replaces alanine 623 with glycine.
Molecular consequence: missense variant.
Genome position (GRCh38, 1-based): chr11:108,252,882, C>G. VCF-style: chr11-108252882-C-G. GRCh37 (hg19) VCF-style: chr11-108123609-C-G.
Other names: c.1868C>G, p.Ala623Gly (NM_001351834.2); short protein forms A623G.
Identifiers: ClinVar variation 1692498 (VCV001692498.1), dbSNP rs2135354486, ClinGen allele CA382535957.
Genomic context (GRCh38, chr11:108,252,882, plus strand): 5'-TTCCTCATCTTGTACTGGAGAAAATTCTTGTGAGTCTCACTATGAAAAACTGTAAAGCTG[C>G]AATGAATTTTTTCCAAAGCGTGCCAGAATGGTATGTTATCTAATAATGCTCTTTATCATT-3'
Protein context (NP_000042.3, residues 613-633): VSLTMKNCKA[Ala623Gly]MNFFQSVPEC